The following is an entry in ClinVar:

NM_017780.4(CHD7):c.1312C>T (p.Gln438Ter)

Gene: CHD7 (chromodomain helicase DNA binding protein 7; plus strand). Cytogenetic location: 8q12.2.
Variant type: single nucleotide variant.
Coding change: c.1312C>T on transcript NM_017780.4 (MANE Select); coding-DNA position 1312, C replaced by T.
Protein change: p.Gln438Ter; replaces glutamine 438 with a stop codon.
Molecular consequence: nonsense.
Genome position (GRCh38, 1-based): chr8:60,742,744, C>T. VCF-style: chr8-60742744-C-T. GRCh37 (hg19) VCF-style: chr8-61655303-C-T.
Other names: c.1312C>T (NM_017780.2); c.1312C>T, p.Gln438Ter (NM_001316690.1); short protein forms Q438*.
Identifiers: ClinVar variation 529121 (VCV000529121.9), dbSNP rs1554581657, ClinGen allele CA371302210.

ClinVar aggregate classification (germline): Pathogenic. Review status: criteria provided, multiple submitters, no conflicts (2 of 4 stars). 2 submissions from 2 submitters: Pathogenic (2). Last evaluated 2024-07-02.

Conditions:
CHARGE syndrome (CHARGE). Also called: Hittner Hirsch Kreh syndrome; Coloboma, heart anomaly, choanal atresia, retardation, genital and ear anomalies; CHARGE association; Hall-Hittner syndrome; CHARGE ASSOCIATION--COLOBOMA, HEART ANOMALY, CHOANAL ATRESIA, RETARDATION, GENITAL AND EAR ANOMALIES. Identifiers: Orphanet 138, MedGen C0265354, MONDO:0008965.

Submissions (2):

GeneDx
Classification: Pathogenic. Last evaluated: 2024-07-02. Review status: criteria provided, single submitter. Criteria: GeneDx Variant Classification Process June 2021. Collection method: clinical testing. Allele origin: germline. Affected: yes.
Comment: Nonsense variant predicted to result in protein truncation or nonsense mediated decay in a gene for which loss of function is a known mechanism of disease; Not observed at significant frequency in large population cohorts (gnomAD); This variant is associated with the following publications: (PMID: 28475860, 38631314, 21158681, 35904121)

Labcorp Genetics (formerly Invitae), Labcorp
Classification: Pathogenic for CHARGE syndrome. Last evaluated: 2022-08-05. Review status: criteria provided, single submitter. Criteria: Invitae Variant Classification Sherloc (09022015). Collection method: clinical testing. Allele origin: germline.
Comment: For these reasons, this variant has been classified as Pathogenic. ClinVar contains an entry for this variant (Variation ID: 529121). This premature translational stop signal has been observed in individuals with CHARGE syndrome (PMID: 21158681). This variant is not present in population databases (gnomAD no frequency). This sequence change creates a premature translational stop signal (p.Gln438*) in the CHD7 gene. It is expected to result in an absent or disrupted protein product. Loss-of-function variants in CHD7 are known to be pathogenic (PMID: 22461308, 25077900).

Literature cited by the submitters: PubMed 21158681 (cited by Labcorp Genetics (formerly Invitae), Labcorp); PubMed 22461308 (cited by Labcorp Genetics (formerly Invitae), Labcorp); PubMed 25077900 (cited by Labcorp Genetics (formerly Invitae), Labcorp).